The following is an entry in ClinVar:

ClinVar aggregate classification (germline): Uncertain significance (1 of 4 stars; one submission).

Submission:

GeneDx
Classification: Uncertain significance. Last evaluated: 2025-05-06. Review status: criteria provided, single submitter. Criteria: GeneDx Variant Classification Process June 2021. Collection method: clinical testing. Allele origin: germline. Affected: yes.
Comment: Not observed at significant frequency in large population cohorts (gnomAD); In silico analysis suggests that this missense variant does not alter protein structure/function; Has not been previously published as pathogenic or benign to our knowledge

NM_205768.3(ZBTB18):c.299A>C (p.Asp100Ala)

Gene: ZBTB18 (zinc finger and BTB domain containing 18; plus strand). Cytogenetic location: 1q44.
Variant type: single nucleotide variant.
Coding change: c.299A>C on transcript NM_205768.3 (MANE Select); coding-DNA position 299, A replaced by C.
Protein change: p.Asp100Ala; replaces aspartic acid 100 with alanine.
Molecular consequence: missense variant.
Genome position (GRCh38, 1-based): chr1:244,054,073, A>C. VCF-style: chr1-244054073-A-C. GRCh37 (hg19) VCF-style: chr1-244217375-A-C.
Other names: c.272A>C, p.Asp91Ala (NM_001278196.2, NM_006352.5); c.299A>C, p.Asp100Ala (NM_001421566.1); short protein forms D100A, D91A.
Identifiers: ClinVar variation 4528115 (VCV004528115.1).